The following is an entry in ClinVar:

NM_182961.4(SYNE1):c.20603G>A (p.Arg6868Gln)

Gene: SYNE1 (spectrin repeat containing nuclear envelope protein 1; minus strand). Cytogenetic location: 6q25.2.
Variant type: single nucleotide variant.
Coding change: c.20603G>A on transcript NM_182961.4 (MANE Select); coding-DNA position 20603, G replaced by A.
Protein change: p.Arg6868Gln; replaces arginine 6868 with glutamine.
Molecular consequence: missense variant.
Genome position (GRCh38, 1-based): chr6:152,233,890, C>T on the plus strand (G>A on the coding strand, the complement: SYNE1 is on the minus strand). VCF-style: chr6-152233890-C-T. GRCh37 (hg19) VCF-style: chr6-152555025-C-T.
Other names: c.20390G>A, p.Arg6797Gln (NM_033071.5); short protein forms R6797Q, R6868Q.
Identifiers: ClinVar variation 1314492 (VCV001314492.5), dbSNP rs757835316, ClinGen allele CA366118416.

ClinVar aggregate classification (germline): Uncertain significance. Review status: criteria provided, multiple submitters, no conflicts (2 of 4 stars). 2 submissions from 2 submitters: Uncertain significance (2). Last evaluated 2025-07-24.

Conditions:
Autosomal recessive ataxia, Beauce type. Also called: Spinocerebellar ataxia, autosomal recessive 8; ATAXIA, RECESSIVE, OF BEAUCE; SYNE1 Deficiency; SYNE1-Related Autosomal Recessive Cerebellar Ataxia. Identifiers: Orphanet 88644, MedGen C1853116, MONDO:0012549, OMIM 610743.
Emery-Dreifuss muscular dystrophy 4, autosomal dominant (EDMD4). Also called: EMERY-DREIFUSS MUSCULAR DYSTROPHY 4 WITH VARIABLE FEATURES. Identifiers: Orphanet 261, MedGen C2751807, MONDO:0013071, OMIM 612998.

Allele frequency attached by ClinVar (database versions not stated): TOPMed below 0.00001.
gnomAD v4.1: 4 of 1,614,104 alleles (0.00025%); highest among the groups gnomAD compares: East Asian, 0.0022%; no homozygotes.

Submissions (2):

GeneDx
Classification: Uncertain significance. Last evaluated: 2025-07-24. Review status: criteria provided, single submitter. Criteria: GeneDx Variant Classification Process June 2021. Collection method: clinical testing. Allele origin: germline. Affected: yes.
Comment: Not observed at significant frequency in large population cohorts (gnomAD); In silico analysis suggests that this missense variant does not alter protein structure/function; Has not been previously published as pathogenic or benign to our knowledge

Labcorp Genetics (formerly Invitae), Labcorp
Classification: Uncertain significance for Emery-Dreifuss muscular dystrophy 4, autosomal dominant; Autosomal recessive ataxia, Beauce type. Last evaluated: 2024-10-17. Review status: criteria provided, single submitter. Criteria: Invitae Variant Classification Sherloc (09022015). Collection method: clinical testing. Allele origin: germline.
Comment: This sequence change replaces arginine, which is basic and polar, with glutamine, which is neutral and polar, at codon 6797 of the SYNE1 protein (p.Arg6797Gln). This variant is present in population databases (no rsID available, gnomAD 0.006%). This variant has not been reported in the literature in individuals affected with SYNE1-related conditions. ClinVar contains an entry for this variant (Variation ID: 1314492). An algorithm developed to predict the effect of missense changes on protein structure and function (PolyPhen-2) suggests that this variant is likely to be disruptive. In summary, the available evidence is currently insufficient to determine the role of this variant in disease. Therefore, it has been classified as a Variant of Uncertain Significance.